The following is an entry in ClinVar:

NM_015072.5(TTLL5):c.2738G>T (p.Cys913Phe)

Gene: TTLL5 (tubulin tyrosine ligase like 5; plus strand). Cytogenetic location: 14q24.3.
Variant type: single nucleotide variant.
Coding change: c.2738G>T on transcript NM_015072.5 (MANE Select); coding-DNA position 2738, G replaced by T.
Protein change: p.Cys913Phe; replaces cysteine 913 with phenylalanine.
Molecular consequence: missense variant.
Genome position (GRCh38, 1-based): chr14:75,783,282, G>T. VCF-style: chr14-75783282-G-T. GRCh37 (hg19) VCF-style: chr14-76249625-G-T.
Other names: short protein forms C913F.
Identifiers: ClinVar variation 1485130 (VCV001485130.8), dbSNP rs2140331433, ClinGen allele CA390472267.
Genomic context (GRCh38, chr14:75,783,282, plus strand): 5'-AGAAAATTCCCAACACCCATTTGTCATCTGTTACAACCTCTGACCTCTCTCCAGGGCCTT[G>T]CCACCATTCTTCTTTATCTCAAATTCCTTCAGCTATCCCCAGCATGCCTCACCAGCCAAC-3'
Protein context (NP_055887.3, residues 903-923): VTTSDLSPGP[Cys913Phe]HHSSLSQIPS

ClinVar aggregate classification (germline): Uncertain significance (1 of 4 stars; one submission).

Submission:

Labcorp Genetics (formerly Invitae), Labcorp
Classification: Uncertain significance. Last evaluated: 2022-11-15. Review status: criteria provided, single submitter. Criteria: Invitae Variant Classification Sherloc (09022015). Collection method: clinical testing. Allele origin: germline.
Comment: Advanced modeling of protein sequence and biophysical properties (such as structural, functional, and spatial information, amino acid conservation, physicochemical variation, residue mobility, and thermodynamic stability) performed at Invitae indicates that this missense variant is not expected to disrupt TTLL5 protein function. In summary, the available evidence is currently insufficient to determine the role of this variant in disease. Therefore, it has been classified as a Variant of Uncertain Significance. ClinVar contains an entry for this variant (Variation ID: 1485130). This variant has not been reported in the literature in individuals affected with TTLL5-related conditions. This variant is not present in population databases (gnomAD no frequency). This sequence change replaces cysteine, which is neutral and slightly polar, with phenylalanine, which is neutral and non-polar, at codon 913 of the TTLL5 protein (p.Cys913Phe).